The following is an entry in ClinVar:

ClinVar aggregate classification (germline): Uncertain significance (1 of 4 stars; one submission).

Allele frequency attached by ClinVar (database versions not stated): gnomAD 0.00001; ExAC 0.00007; gnomAD exomes 0.00003; TOPMed below 0.00001.
gnomAD v4.1: 4 of 1,579,078 alleles (0.00025%); highest among the groups gnomAD compares: East Asian, 0.0092%; no homozygotes.

Submission:

Labcorp Genetics (formerly Invitae), Labcorp
Classification: Uncertain significance. Last evaluated: 2023-12-07. Review status: criteria provided, single submitter. Criteria: Invitae Variant Classification Sherloc (09022015). Collection method: clinical testing. Allele origin: germline.
Comment: This sequence change replaces leucine, which is neutral and non-polar, with proline, which is neutral and non-polar, at codon 79 of the TRAPPC9 protein (p.Leu79Pro). The frequency data for this variant in the population databases is considered unreliable, as metrics indicate poor data quality at this position in the gnomAD database. This variant has not been reported in the literature in individuals affected with TRAPPC9-related conditions. Algorithms developed to predict the effect of missense changes on protein structure and function output the following: SIFT: "Not Available"; PolyPhen-2: "Benign"; Align-GVGD: "Not Available". The proline amino acid residue is found in multiple mammalian species, which suggests that this missense change does not adversely affect protein function. In summary, the available evidence is currently insufficient to determine the role of this variant in disease. Therefore, it has been classified as a Variant of Uncertain Significance.

NM_031466.8(TRAPPC9):c.-59T>C

Gene: TRAPPC9 (trafficking protein particle complex subunit 9; minus strand). Cytogenetic location: 8q24.3.
Variant type: single nucleotide variant.
Coding change: c.-59T>C on transcript NM_031466.8; 59 bases upstream of the start codon, T replaced by C.
Molecular consequence: 5 prime UTR variant.
Genome position (GRCh38, 1-based): chr8:140,458,329, A>G on the plus strand (T>C on the coding strand, the complement: TRAPPC9 is on the minus strand). VCF-style: chr8-140458329-A-G. GRCh37 (hg19) VCF-style: chr8-141468428-A-G.
Identifiers: ClinVar variation 1513476 (VCV001513476.7), dbSNP rs774897976, ClinGen allele CA4893847.